The following is an entry in ClinVar:

ClinVar aggregate classification (germline): Pathogenic (1 of 4 stars; one submission).

Conditions:
Hereditary antithrombin deficiency (AT3D). Also called: Reduced antithrombin III activity; Antithrombin III deficiency; Thrombophilia due to antithrombin III deficiency; Antithrombin deficiency. Identifiers: Orphanet 82, MedGen C0272375, MONDO:0013144, OMIM 613118, HP:0001976.

Submission:

Labcorp Genetics (formerly Invitae), Labcorp
Classification: Pathogenic for Hereditary antithrombin deficiency. Last evaluated: 2025-09-02. Review status: criteria provided, single submitter. Criteria: Invitae Variant Classification Sherloc (09022015). Collection method: clinical testing. Allele origin: germline.
Comment: This sequence change replaces methionine, which is neutral and non-polar, with threonine, which is neutral and polar, at codon 284 of the SERPINC1 protein (p.Met284Thr). This variant is not present in population databases (gnomAD no frequency). This missense change has been observed in individual(s) with antithrombin deficiency (PMID: 30975910, 36268972). ClinVar contains an entry for this variant (Variation ID: 3021089). Invitae Evidence Modeling of protein sequence and biophysical properties (such as structural, functional, and spatial information, amino acid conservation, physicochemical variation, residue mobility, and thermodynamic stability) indicates that this missense variant is expected to disrupt SERPINC1 protein function with a positive predictive value of 95%. This variant disrupts the p.Met284 amino acid residue in SERPINC1. Other variant(s) that disrupt this residue have been observed in individuals with SERPINC1-related conditions (PMID: 24162787, 30975910), which suggests that this may be a clinically significant amino acid residue. For these reasons, this variant has been classified as Pathogenic.

Literature cited by the submitters: PubMed 30975910; PubMed 36268972; PubMed 24162787.

NM_000488.4(SERPINC1):c.851T>C (p.Met284Thr)

Gene: SERPINC1 (serpin family C member 1; minus strand). Cytogenetic location: 1q25.1.
Variant type: single nucleotide variant.
Coding change: c.851T>C on transcript NM_000488.4 (MANE Select); coding-DNA position 851, T replaced by C.
Protein change: p.Met284Thr; replaces methionine 284 with threonine.
Molecular consequence: missense variant.
Genome position (GRCh38, 1-based): chr1:173,909,854, A>G on the plus strand (T>C on the coding strand, the complement: SERPINC1 is on the minus strand). VCF-style: chr1-173909854-A-G. GRCh37 (hg19) VCF-style: chr1-173878992-A-G.
Other names: c.707T>C, p.Met236Thr (NM_001365052.2); c.974T>C, p.Met325Thr (NM_001386302.1); c.932T>C, p.Met311Thr (NM_001386303.1); c.830T>C, p.Met277Thr (NM_001386304.1); c.794T>C, p.Met265Thr (NM_001386305.1); c.635T>C, p.Met212Thr (NM_001386306.1); short protein forms M277T, M236T, M325T, M212T, M284T, M265T, M311T.
Identifiers: ClinVar variation 3021089 (VCV003021089.3), dbSNP rs1572088737, ClinGen allele CA343774542.
Genomic context (GRCh38, chr1:173,909,854, plus strand): 5'-AACTCAAGCACCTGGGTGCCTTCAGCCACGCGCCGATAACGGAACTTGCCTTCCTGGTAC[A>G]TCATAGATGCTGAACACGACTCTCCATCAGCCTTGTAGAACAGTTCCTTCCTTGTGTTCT-3'
Protein context (NP_000479.1, residues 274-294): ADGESCSASM[Met284Thr]YQEGKFRYRR